The following is an entry in ClinVar:

ClinVar aggregate classification (germline): Uncertain significance (1 of 4 stars; one submission).

Conditions:
Long QT syndrome (LQTS). Identifiers: MedGen C0023976, MeSH D008133, MONDO:0002442. Disease mechanism: loss of function. Inheritance: Various modes of inheritance.

Allele frequency attached by ClinVar (database versions not stated): gnomAD exomes below 0.00001; TOPMed below 0.00001.
gnomAD v4.1: 6 of 1,568,560 alleles (0.00038%); highest among the groups gnomAD compares: Non-Finnish European, 0.00052%; no homozygotes.

Submission:

Labcorp Genetics (formerly Invitae), Labcorp
Classification: Uncertain significance for Long QT syndrome. Last evaluated: 2023-06-29. Review status: criteria provided, single submitter. Criteria: Invitae Variant Classification Sherloc (09022015). Collection method: clinical testing. Allele origin: germline.
Comment: In summary, the available evidence is currently insufficient to determine the role of this variant in disease. Therefore, it has been classified as a Variant of Uncertain Significance. Advanced modeling of protein sequence and biophysical properties (such as structural, functional, and spatial information, amino acid conservation, physicochemical variation, residue mobility, and thermodynamic stability) has been performed at Invitae for this missense variant, however the output from this modeling did not meet the statistical confidence thresholds required to predict the impact of this variant on ANK2 protein function. This variant has not been reported in the literature in individuals affected with ANK2-related conditions. This variant is not present in population databases (gnomAD no frequency). This sequence change replaces cysteine, which is neutral and slightly polar, with serine, which is neutral and polar, at codon 482 of the ANK2 protein (p.Cys482Ser).

NM_001148.6(ANK2):c.1445G>C (p.Cys482Ser)

Gene: ANK2 (ankyrin 2; plus strand). Cytogenetic location: 4q26.
Variant type: single nucleotide variant.
Coding change: c.1445G>C on transcript NM_001148.6 (MANE Select); coding-DNA position 1445, G replaced by C.
Protein change: p.Cys482Ser; replaces cysteine 482 with serine.
Molecular consequence: missense variant.
Genome position (GRCh38, 1-based): chr4:113,264,955, G>C. VCF-style: chr4-113264955-G-C. GRCh37 (hg19) VCF-style: chr4-114186111-G-C.
Other names: c.1382G>C, p.Cys461Ser (NM_001354270.2, NM_001354272.2, NM_001354275.2 and 14 more transcripts); c.1358G>C, p.Cys453Ser (NM_001354271.2, NM_001354274.2, NM_001354276.2 and 13 more transcripts); c.1247G>C, p.Cys416Ser (NM_001354273.2); c.1160G>C, p.Cys387Ser (NM_001354277.2, NM_001386157.1, NM_001386158.1); c.1403G>C, p.Cys468Ser (NM_001386160.1, NM_001354261.2, NM_001386147.1); c.1496G>C, p.Cys499Ser (NM_001386174.1); c.1472G>C, p.Cys491Ser (NM_001386175.1); c.1433G>C, p.Cys478Ser (NM_001386186.2, NM_001386148.2); and 4 more; short protein forms C387S, C470S, C412S, C416S, C453S, C497S, C499S, C461S.
Identifiers: ClinVar variation 2980091 (VCV002980091.3), dbSNP rs576018476, ClinGen allele CA357931109.